The following is an entry in ClinVar:

NM_199420.4(POLQ):c.6883T>A (p.Cys2295Ser)

Gene: POLQ (DNA polymerase theta; minus strand). Cytogenetic location: 3q13.33.
Variant type: single nucleotide variant.
Coding change: c.6883T>A on transcript NM_199420.4 (MANE Select); coding-DNA position 6883, T replaced by A.
Protein change: p.Cys2295Ser; replaces cysteine 2295 with serine.
Molecular consequence: missense variant.
Genome position (GRCh38, 1-based): chr3:121,467,603, A>T on the plus strand (T>A on the coding strand, the complement: POLQ is on the minus strand). VCF-style: chr3-121467603-A-T. GRCh37 (hg19) VCF-style: chr3-121186450-A-T.
Other names: short protein forms C2295S.
Identifiers: ClinVar variation 3422498 (VCV003422498.1).

ClinVar aggregate classification (germline): Uncertain significance (1 of 4 stars; one submission).

Submission:

Ambry Genetics
Classification: Uncertain significance. Last evaluated: 2024-08-17. Review status: criteria provided, single submitter. Criteria: Ambry Variant Classification Scheme 2023. Collection method: clinical testing. Allele origin: germline.
Comment: The p.C2295S variant (also known as c.6883T>A), located in coding exon 24 of the POLQ gene, results from a T to A substitution at nucleotide position 6883. The cysteine at codon 2295 is replaced by serine, an amino acid with dissimilar properties. This amino acid position is conserved. In addition, this alteration is predicted to be tolerated by in silico analysis. Based on the available evidence, the clinical significance of this variant remains unclear.